The following is an entry in ClinVar:

NM_025129.5(FUZ):c.1104G>T (p.Val368=)

Gene: FUZ (fuzzy planar cell polarity protein; minus strand). Cytogenetic location: 19q13.33.
Variant type: single nucleotide variant.
Coding change: c.1104G>T on transcript NM_025129.5 (MANE Select); coding-DNA position 1104, G replaced by T.
Protein change: p.Val368=; no amino-acid change (valine 368 retained).
Molecular consequence: synonymous variant. On other transcripts: non-coding transcript variant (1).
Genome position (GRCh38, 1-based): chr19:49,807,304, C>A on the plus strand (G>T on the coding strand, the complement: FUZ is on the minus strand). VCF-style: chr19-49807304-C-A. GRCh37 (hg19) VCF-style: chr19-50310561-C-A.
Other names: c.996G>T, p.Val332= (NM_001171937.2); c.1107G>T, p.Val369= (NM_001352262.2); c.954G>T, p.Val318= (NM_001363663.1).
Identifiers: ClinVar variation 3053387 (VCV003053387.2), dbSNP rs754427912, ClinGen allele CA9584208.

ClinVar aggregate classification (germline): Likely benign (0 of 4 stars; one submission).

Conditions:
FUZ-related disorder. Also called: FUZ-related condition.

Allele frequency attached by ClinVar (database versions not stated): gnomAD exomes below 0.00001; gnomAD 0.00001.
gnomAD v4.1: 5 of 1,613,528 alleles (0.00031%); highest among the groups gnomAD compares: Non-Finnish European, 0.00042%; no homozygotes.

Submission:

PreventionGenetics, part of Exact Sciences
Classification: Likely benign for FUZ-related condition. Last evaluated: 2019-08-14. Review status: no assertion criteria provided. Collection method: clinical testing. Allele origin: germline.
Comment: This variant is classified as likely benign based on ACMG/AMP sequence variant interpretation guidelines (Richards et al. 2015 PMID: 25741868, with internal and published modifications).